The following is an entry in ClinVar:

ClinVar aggregate classification (germline): Conflicting classifications of pathogenicity. Review status: criteria provided, conflicting classifications (1 of 4 stars). 2 submissions from 2 submitters: Likely pathogenic (1); Uncertain significance (1). Last evaluated 2025-05-16.

Submissions (2):

Women's Health and Genetics/Laboratory Corporation of America, LabCorp
Classification: Uncertain significance. Last evaluated: 2025-05-16. Review status: criteria provided, single submitter. Criteria: LabCorp Variant Classification Summary - May 2015. Collection method: clinical testing. Allele origin: germline.
Comment: Variant summary: COL4A5 c.530G>C (p.Gly177Ala) results in a non-conservative amino acid change within the triple-helical region (UniProt) of the encoded protein sequence. This missense variant disrupts a glycine residue at position 1 of a Gly-X-Y repeat in the collagenous domain of the collagen IV alpha 5 chain, however, the impact of this specific amino acid change does not allow definitive categorization (PMID: 33854215).. Algorithms developed to predict the effect of missense changes on protein structure and function all suggest that this variant is likely to be disruptive. The variant was absent in 183209 control chromosomes (gnomAD). The available data on variant occurrences in the general population are insufficient to allow any conclusion about variant significance. To our knowledge, no occurrence of c.530G>C in individuals affected with Alport Syndrome 1, X-Linked Recessive and no experimental evidence demonstrating its impact on protein function have been reported. ClinVar contains an entry for this variant (Variation ID: 2859266). Based on the evidence outlined above, the variant was classified as uncertain significance.

Labcorp Genetics (formerly Invitae), Labcorp
Classification: Likely pathogenic. Last evaluated: 2023-04-25. Review status: criteria provided, single submitter. Criteria: Invitae Variant Classification Sherloc (09022015). Collection method: clinical testing. Allele origin: germline.
Comment: This variant is not present in population databases (gnomAD no frequency). This sequence change replaces glycine, which is neutral and non-polar, with alanine, which is neutral and non-polar, at codon 177 of the COL4A5 protein (p.Gly177Ala). This variant has not been reported in the literature in individuals affected with COL4A5-related conditions. Advanced modeling of protein sequence and biophysical properties (such as structural, functional, and spatial information, amino acid conservation, physicochemical variation, residue mobility, and thermodynamic stability) performed at Invitae indicates that this missense variant is expected to disrupt COL4A5 protein function. This variant disrupts the triple helix domain of COL4A5. Glycine residues within the Gly-Xaa-Yaa repeats of the triple helix domain are required for the structure and stability of fibrillar collagens (PMID: 7695699, 8218237, 19344236). In COL4A5, missense variants at these glycine residues are significantly enriched in individuals with disease (PMID: 23720012, 27627812) compared to the general population (ExAC). In summary, the currently available evidence indicates that the variant is pathogenic, but additional data are needed to prove that conclusively. Therefore, this variant has been classified as Likely Pathogenic.

Literature cited by the submitters: PubMed 7695699 (cited by Labcorp Genetics (formerly Invitae), Labcorp); PubMed 8218237 (cited by Labcorp Genetics (formerly Invitae), Labcorp); PubMed 19344236 (cited by Labcorp Genetics (formerly Invitae), Labcorp); PubMed 23720012 (cited by Labcorp Genetics (formerly Invitae), Labcorp); PubMed 27627812 (cited by Labcorp Genetics (formerly Invitae), Labcorp).

NM_033380.3(COL4A5):c.530G>C (p.Gly177Ala)

Gene: COL4A5 (collagen type IV alpha 5 chain; plus strand). Cytogenetic location: Xq22.3.
Variant type: single nucleotide variant.
Coding change: c.530G>C on transcript NM_033380.3 (MANE Select); coding-DNA position 530, G replaced by C.
Protein change: p.Gly177Ala; replaces glycine 177 with alanine.
Molecular consequence: missense variant.
Genome position (GRCh38, 1-based): chrX:108,573,638, G>C. VCF-style: chrX-108573638-G-C. GRCh37 (hg19) VCF-style: chrX-107816868-G-C.
Other names: c.530G>C, p.Gly177Ala (NM_000495.5); short protein forms G177A.
Identifiers: ClinVar variation 2859266 (VCV002859266.4), dbSNP rs1569489328, ClinGen allele CA413921062.
Genomic context (GRCh38, chrX:108,573,638, plus strand): 5'-AACCAGGTAGTATAATTATGTCATCACTGCCAGGACCAAAGGGTAATCCAGGATATCCAG[G>C]TCCTCCTGGAATACAAGTAAGTATCCAGTGATTTTCTTTTTTTGCTATATTGATTAAACC-3'
Protein context (NP_203699.1, residues 167-187): PGPKGNPGYP[Gly177Ala]PPGIQGLPGP